The following is an entry in ClinVar:

NM_000321.3(RB1):c.28GCC[3] (p.Ala11_Thr12insAla)

Gene: RB1 (RB transcriptional corepressor 1; plus strand). Cytogenetic location: 13q14.2.
Variant type: Microsatellite.
Coding change: c.28GCC[3] on transcript NM_000321.3 (MANE Select); three copies in a row of the 3-base unit GCC starting at c.28; the reference has two copies in a row; one copy, 3 bases duplicated; also written c.31_33dup.
Protein change: p.Ala11_Thr12insAla.
Molecular consequence: inframe insertion. On other transcripts: inframe indel (2).
Genome position (GRCh38, 1-based): chr13:48,303,943-48,303,945, GCC duplicated; duplicating any 3 consecutive bases within chr13:48,303,940-48,303,945 gives the same sequence; the position shown is the placement nearest the transcript's 3' end. VCF-style (leftmost placement, unchanged base first): chr13-48303939-G-GGCC. GRCh37 (hg19) VCF-style: chr13-48878075-G-GGCC.
Other names: c.31_33dupGCC (NM_000321.2); c.28_30GCC[3], p.Ala11_Thr12insAla (NM_000321.2); c.28GCC[3], p.Ala11_Thr12insAla (NM_001407165.1, NM_001407166.1, NM_001407167.1); c.31_33dup (NM_000321.2).
Identifiers: ClinVar variation 3313053 (VCV003313053.3).

ClinVar aggregate classification (germline): Uncertain significance. Review status: criteria provided, multiple submitters, no conflicts (2 of 4 stars). 3 submissions from 3 submitters: Uncertain significance (3). Last evaluated 2025-07-29.

Conditions:
Retinoblastoma (RB1). Also called: RETINOBLASTOMA, SOMATIC. Identifiers: Orphanet 790, MedGen C0035335, MeSH D012175, MONDO:0008380, OMIM 180200, HP:0009919. Disease mechanism: loss of function. Inheritance: Both sporadic and heritable forms are tested..
Hereditary cancer-predisposing syndrome. Also called: Neoplastic Syndromes, Hereditary; Tumor predisposition; Hereditary neoplastic syndrome; Hereditary Cancer Syndrome. Identifiers: Orphanet 140162, MedGen C0027672, MeSH D009386, MONDO:0015356.

Submissions (3):

Labcorp Genetics (formerly Invitae), Labcorp
Classification: Uncertain significance for Retinoblastoma. Last evaluated: 2025-07-29. Review status: criteria provided, single submitter. Criteria: Invitae Variant Classification Sherloc (09022015). Collection method: clinical testing. Allele origin: germline.
Comment: This variant, c.31_33dup, results in the insertion of 1 amino acid(s) of the RB1 protein (p.Ala11dup), but otherwise preserves the integrity of the reading frame. This variant is not present in population databases (gnomAD no frequency). This variant has not been reported in the literature in individuals affected with RB1-related conditions. ClinVar contains an entry for this variant (Variation ID: 3313053). In summary, the available evidence is currently insufficient to determine the role of this variant in disease. Therefore, it has been classified as a Variant of Uncertain Significance.

Ambry Genetics
Classification: Uncertain significance for Hereditary cancer-predisposing syndrome. Last evaluated: 2024-05-22. Review status: criteria provided, single submitter. Criteria: Ambry Variant Classification Scheme 2023. Collection method: clinical testing. Allele origin: germline.
Comment: The c.31_33dupGCC variant (also known as p.A11dup), located in coding exon 1 of the RB1 gene, results from an in-frame duplication of GCC at nucleotide positions 31 to 33. This results in the duplication of an extra residue between codons 11 and 12. This amino acid position is highly conserved in available vertebrate species. In addition, this alteration is predicted to be neutral by in silico analysis (Choi Y et al. PLoS ONE. 2012; 7(10):e46688). Based on the available evidence, the clinical significance of this variant remains unclear.

GeneDx
Classification: Uncertain significance. Last evaluated: 2024-03-13. Review status: criteria provided, single submitter. Criteria: GeneDx Variant Classification Process June 2021. Collection method: clinical testing. Allele origin: germline. Affected: yes.
Comment: Not observed at significant frequency in large population cohorts (gnomAD); In-frame duplication of 1 amino acid in a non-repeat region; Has not been previously published as pathogenic or benign to our knowledge; This variant is associated with the following publications: (PMID: 23516486)